The following is an entry in ClinVar:

NM_000406.3(GNRHR):c.*829T>C

Gene: GNRHR (gonadotropin releasing hormone receptor; minus strand). Cytogenetic location: 4q13.2.
Variant type: single nucleotide variant.
Coding change: c.*829T>C on transcript NM_000406.3 (MANE Select); 829 bases downstream of the stop codon, T replaced by C.
Molecular consequence: 3 prime UTR variant.
Genome position (GRCh38, 1-based): chr4:67,739,651, A>G on the plus strand (T>C on the coding strand, the complement: GNRHR is on the minus strand). VCF-style: chr4-67739651-A-G. GRCh37 (hg19) VCF-style: chr4-68605369-A-G.
Other names: c.*938T>C (NM_001012763.2).
Identifiers: ClinVar variation 349442 (VCV000349442.6), dbSNP rs17635850, ClinGen allele CA10619063.
Genomic context (GRCh38, chr4:67,739,651, plus strand): 5'-ATGAAATATGGATTTAGTAAGATCAGGAGAGAGACAAAAAATTCTTCACATTAAAATAGA[A>G]GTCATACTATGCATAGAGCGTACTCACTATGAGTATTTTCTTAGTTGCATTTGGAAACAT-3'

ClinVar aggregate classification (germline): Benign. Review status: criteria provided, multiple submitters, no conflicts (2 of 4 stars). 2 submissions from 2 submitters: Benign (2). Last evaluated 2018-01-13.

Conditions:
Hypogonadotropic hypogonadism 7 with or without anosmia (HH7). Also called: HYPOGONADOTROPIC HYPOGONADISM 7 WITHOUT ANOSMIA; GNRHR-Related GnRH Deficiency. Identifiers: Orphanet 432, MedGen C0342384, MONDO:0007794, OMIM 146110.

Allele frequency attached by ClinVar (database versions not stated): 1000 Genomes Project 0.34924; 1000 Genomes Project 30x 0.35384; gnomAD 0.38806 and 0.39304; TOPMed 0.39231.

Submissions (2):

Illumina Laboratory Services, Illumina
Classification: Benign for Hypogonadotropic hypogonadism 7 with or without anosmia. Last evaluated: 2018-01-13. Review status: criteria provided, single submitter. Criteria: ICSL Variant Classification Criteria 13 December 2019. Collection method: clinical testing. Allele origin: germline.
Comment: This variant was observed in the ICSL laboratory as part of a predisposition screen in an ostensibly healthy population. It had not been previously curated by ICSL or reported in the Human Gene Mutation Database (HGMD: prior to June 1st, 2018), and was therefore a candidate for classification through an automated scoring system. Utilizing variant allele frequency, disease prevalence and penetrance estimates, and inheritance mode, an automated score was calculated to assess if this variant is too frequent to cause the disease. Based on the score and internal cut-off values, a variant classified as benign is not then subjected to further curation. The score for this variant resulted in a classification of benign for this disease.

Breakthrough Genomics
Classification: Benign. Review status: criteria provided, single submitter. Criteria: ACMG Guidelines, 2015. Collection method: not provided. Allele origin: germline. Inheritance: Autosomal recessive inheritance. Affected: yes.